The following is an entry in ClinVar:

ClinVar aggregate classification (germline): Pathogenic (1 of 4 stars; one submission).

Conditions:
Autosomal recessive osteopetrosis 1. Also called: ALBERS-SCHONBERG DISEASE, AUTOSOMAL RECESSIVE; TCIRG1-Related Autosomal Recessive Osteopetrosis; TCIRG1-Related Osteopetrosis. Identifiers: Orphanet 667, MedGen C1850127, MONDO:0009815, OMIM 259700.

Submission:

Myriad Genetics, Inc.
Classification: Pathogenic for Autosomal recessive osteopetrosis 1. Last evaluated: 2025-08-01. Review status: criteria provided, single submitter. Criteria: Myriad Autosomal Dominant, Autosomal Recessive and X-Linked Classification Criteria (2023). Collection method: clinical testing. Allele origin: unknown.
Comment: NM_006019.3(TCIRG1):c.1457delG(G486Afs*42) is expected to be pathogenic in the context of autosomal recessive osteopetrosis type 1. This variant is predicted to lead to an abnormal or absent protein product due to the creation of a premature termination codon in TCIRG1, a gene where loss-of-function variants are known to be pathogenic. Please note: this variant was assessed in the context of healthy population screening.

NM_006019.4(TCIRG1):c.1457del (p.Gly486fs)

Gene: TCIRG1 (T cell immune regulator 1, ATPase H+ transporting V0 subunit a3; plus strand). Cytogenetic location: 11q13.2.
Variant type: Deletion.
Coding change: c.1457del on transcript NM_006019.4 (MANE Select); coding-DNA position 1457, one base deleted (G; older notation c.1457delG).
Protein change: p.Gly486fs; shifts the reading frame from glycine 486.
Molecular consequence: frameshift variant. On other transcripts: intron variant (2).
Genome position (GRCh38, 1-based): chr11:68,047,798, G deleted; the last of 2 consecutive G bases (chr11:68,047,797-68,047,798); deleting either gives the same sequence. VCF-style (leftmost placement, unchanged base first): chr11-68047796-TG-T. GRCh37 (hg19) VCF-style: chr11-67815263-TG-T.
Other names: c.563del, p.Gly188fs (NM_001351059.2); c.1457del, p.Gly486fs (NM_001440552.1, NM_001440553.1, NM_001440554.1 and 2 more transcripts); c.1415del, p.Gly472fs (NM_001440555.1, NM_001440556.1, NM_001440563.1); c.1244del, p.Gly415fs (NM_001440559.1, NM_001440560.1, NM_001440561.1 and 2 more transcripts); c.1202del, p.Gly401fs (NM_001440564.1); c.1157del, p.Gly386fs (NM_001440565.1); c.989del, p.Gly330fs (NM_001440568.1); c.809del, p.Gly270fs (NM_006053.4); and 2 more; short protein forms G188fs, G270fs, G330fs, G386fs, G401fs, G415fs, G472fs, G486fs.
Identifiers: ClinVar variation 5014804 (VCV005014804.1).
Genomic context (GRCh38, chr11:68,047,796, plus strand): 5'-CAGTCGCGCCACCAGCATCTTCCCCTCGGGCTGGAGTGTGGCCGCCATGGCCAACCAGTC[TG>T]GCTGGAGGTGAGGCCCGGGCCCCAGCCCGGCTGGGGGCCCCGCAGCACCCGCAGCCCTGA-3'